The following is an entry in ClinVar:

ClinVar aggregate classification (germline): Conflicting classifications of pathogenicity. Review status: criteria provided, conflicting classifications (1 of 4 stars). 6 submissions from 5 submitters: Uncertain significance (2); Likely benign (3). 1 of the submissions does not count toward it. Last evaluated 2025-12-30.

Conditions:
Congenital bilateral aplasia of vas deferens from CFTR mutation (CBAVD). Identifiers: Orphanet 48, MedGen C0403814, MONDO:0010178, OMIM 277180. Disease mechanism: loss of function.
Cystic fibrosis (CF). Also called: MUCOVISCIDOSIS. Identifiers: Orphanet 586, MedGen C0010674, MONDO:0009061, OMIM 219700. Disease mechanism: loss of function.

Allele frequency attached by ClinVar (database versions not stated): TOPMed 0.00005; gnomAD 0.00006; ESP Exome Variant Server 0.00008.
gnomAD v4.1: 129 of 1,401,220 alleles (0.0092%); highest among the groups gnomAD compares: Non-Finnish European, 0.013%; no homozygotes.

Submissions (6):

Labcorp Genetics (formerly Invitae), Labcorp
Classification: Likely benign for Cystic fibrosis. Last evaluated: 2025-12-30. Review status: criteria provided, single submitter. Criteria: Invitae Variant Classification Sherloc (09022015). Collection method: clinical testing. Allele origin: germline.

Women's Health and Genetics/Laboratory Corporation of America, LabCorp
Classification: Likely benign. Last evaluated: 2025-01-06. Review status: criteria provided, single submitter. Criteria: LabCorp Variant Classification Summary - May 2015. Collection method: clinical testing. Allele origin: germline.
Comment: Variant summary: CFTR c.1679+18G>A alters a nucleotide located at a position not widely known to affect splicing. Consensus agreement among computation tools predict no significant impact on normal splicing (TrAP). However, these predictions have yet to be confirmed by functional studies. The variant allele was found at a frequency of 7.6e-05 in 249364 control chromosomes. This frequency is not significantly higher than estimated for a pathogenic variant in CFTR causing Cystic Fibrosis (7.6e-05 vs 0.013), allowing no conclusion about variant significance. To our knowledge, no occurrence of c.1679+18G>A in individuals affected with Cystic Fibrosis and no experimental evidence demonstrating its impact on protein function have been reported. ClinVar contains an entry for this variant (Variation ID: 53334). Based on the evidence outlined above, the variant was classified as likely benign.

Ambry Genetics
Classification: Likely benign for Cystic fibrosis. Last evaluated: 2023-05-12. Review status: criteria provided, single submitter. Criteria: Ambry Variant Classification Scheme 2023. Collection method: clinical testing. Allele origin: germline.

Genome-Nilou Lab
Classification: Uncertain significance for Cystic fibrosis. Last evaluated: 2021-07-22. Review status: criteria provided, single submitter. Criteria: ACMG Guidelines, 2015. Collection method: clinical testing. Allele origin: germline. Affected: no.

Genome-Nilou Lab
Classification: Uncertain significance for Congenital bilateral aplasia of vas deferens from CFTR mutation. Last evaluated: 2021-07-22. Review status: criteria provided, single submitter. Criteria: ACMG Guidelines, 2015. Collection method: clinical testing. Allele origin: germline. Affected: no.

Counsyl
Classification: Uncertain significance for Cystic fibrosis. Last evaluated: 2017-08-17. Review status: no assertion criteria provided. Collection method: clinical testing. Allele origin: unknown. Not counted in ClinVar's aggregate classification.

Literature cited by the submitters: PubMed 25087612 (cited by Ambry Genetics).

NM_000492.4(CFTR):c.1679+18G>A

Genes: CFTR (CF transmembrane conductance regulator; plus strand), LOC111674475 (CFTR intron 11 enhancer; plus strand). Cytogenetic location: 7q31.2.
Variant type: single nucleotide variant.
Coding change: c.1679+18G>A on transcript NM_000492.4 (MANE Select); 18 bases into the intron after coding-DNA position 1679, G replaced by A.
Molecular consequence: intron variant.
Genome position (GRCh38, 1-based): chr7:117,587,851, G>A. VCF-style: chr7-117587851-G-A. GRCh37 (hg19) VCF-style: chr7-117227905-G-A.
Identifiers: ClinVar variation 53334 (VCV000053334.18), dbSNP rs369294289, ClinGen allele CA326600.